The following is an entry in ClinVar:

NM_003086.4(SNAPC4):c.2989G>A (p.Glu997Lys)

Gene: SNAPC4 (small nuclear RNA activating complex polypeptide 4; minus strand). Cytogenetic location: 9q34.3.
Variant type: single nucleotide variant.
Coding change: c.2989G>A on transcript NM_003086.4 (MANE Select); coding-DNA position 2989, G replaced by A.
Protein change: p.Glu997Lys; replaces glutamic acid 997 with lysine.
Molecular consequence: missense variant.
Genome position (GRCh38, 1-based): chr9:136,378,838, C>T on the plus strand (G>A on the coding strand, the complement: SNAPC4 is on the minus strand). VCF-style: chr9-136378838-C-T. GRCh37 (hg19) VCF-style: chr9-139273290-C-T.
Other names: c.2989G>A, p.Glu997Lys (NM_001394201.1); c.2905G>A, p.Glu969Lys (NM_001394202.1, NM_001394203.1); short protein forms E969K, E997K.
Identifiers: ClinVar variation 4820753 (VCV004820753.4).

ClinVar aggregate classification (germline): Likely benign (1 of 4 stars; one submission).

Submission:

CeGaT Center for Human Genetics Tuebingen
Classification: Likely benign. Last evaluated: 2026-02-01. Review status: criteria provided, single submitter. Criteria: CeGaT Center For Human Genetics Tuebingen Variant Classification Criteria Version 2. Collection method: clinical testing. Allele origin: germline. Affected: yes. Observed: 1 variant allele.
Comment: SNAPC4: BP4, BS2